The following is an entry in ClinVar:

NM_004758.4(TSPOAP1):c.3758G>A (p.Arg1253His)

Gene: TSPOAP1 (TSPO associated protein 1; minus strand). Cytogenetic location: 17q22.
Variant type: single nucleotide variant.
Coding change: c.3758G>A on transcript NM_004758.4 (MANE Select); coding-DNA position 3758, G replaced by A.
Protein change: p.Arg1253His; replaces arginine 1253 with histidine.
Molecular consequence: missense variant.
Genome position (GRCh38, 1-based): chr17:58,310,100, C>T on the plus strand (G>A on the coding strand, the complement: TSPOAP1 is on the minus strand). VCF-style: chr17-58310100-C-T. GRCh37 (hg19) VCF-style: chr17-56387461-C-T.
Other names: c.3758G>A, p.Arg1253His (NM_001261835.2); c.3578G>A, p.Arg1193His (NM_024418.3); short protein forms R1193H, R1253H.
Identifiers: ClinVar variation 713165 (VCV000713165.27), dbSNP rs372749390, ClinGen allele CA8671745.

ClinVar aggregate classification (germline): Benign/Likely benign. Review status: criteria provided, multiple submitters, no conflicts (2 of 4 stars). 2 submissions from 2 submitters: Benign (1); Likely benign (1). Last evaluated 2025-11-01.

Allele frequency attached by ClinVar (database versions not stated): gnomAD 0.00016 and 0.00060; TOPMed 0.00019; ExAC 0.00180; 1000 Genomes Project 30x 0.00437; 1000 Genomes Project 0.00459.
gnomAD v4.1: 1,136 of 1,613,380 alleles (0.07%); highest among the groups gnomAD compares: South Asian, 0.95%; 13 homozygotes.

Submissions (2):

CeGaT Center for Human Genetics Tuebingen
Classification: Likely benign. Last evaluated: 2025-11-01. Review status: criteria provided, single submitter. Criteria: CeGaT Center For Human Genetics Tuebingen Variant Classification Criteria Version 2. Collection method: clinical testing. Allele origin: germline. Affected: yes. Observed: 2 variant alleles.
Comment: TSPOAP1: BS2

Labcorp Genetics (formerly Invitae), Labcorp
Classification: Benign. Last evaluated: 2018-06-26. Review status: criteria provided, single submitter. Criteria: Invitae Variant Classification Sherloc (09022015). Collection method: clinical testing. Allele origin: germline.